The following is an entry in ClinVar:

ClinVar aggregate classification (germline): Uncertain significance (1 of 4 stars; one submission).

Submission:

Labcorp Genetics (formerly Invitae), Labcorp
Classification: Uncertain significance. Last evaluated: 2022-04-02. Review status: criteria provided, single submitter. Criteria: Invitae Variant Classification Sherloc (09022015). Collection method: clinical testing. Allele origin: germline.
Comment: This sequence change replaces alanine, which is neutral and non-polar, with valine, which is neutral and non-polar, at codon 96 of the GATA5 protein (p.Ala96Val). This variant is not present in population databases (gnomAD no frequency). This variant has not been reported in the literature in individuals affected with GATA5-related conditions. Algorithms developed to predict the effect of missense changes on protein structure and function output the following: SIFT: "Tolerated"; PolyPhen-2: "Benign"; Align-GVGD: "Class C0". The valine amino acid residue is found in multiple mammalian species, which suggests that this missense change does not adversely affect protein function. In summary, the available evidence is currently insufficient to determine the role of this variant in disease. Therefore, it has been classified as a Variant of Uncertain Significance.

NM_080473.5(GATA5):c.287C>T (p.Ala96Val)

Gene: GATA5 (GATA binding protein 5; minus strand). Cytogenetic location: 20q13.33.
Variant type: single nucleotide variant.
Coding change: c.287C>T on transcript NM_080473.5 (MANE Select); coding-DNA position 287, C replaced by T.
Protein change: p.Ala96Val; replaces alanine 96 with valine.
Molecular consequence: missense variant.
Genome position (GRCh38, 1-based): chr20:62,475,235, G>A on the plus strand (C>T on the coding strand, the complement: GATA5 is on the minus strand). VCF-style: chr20-62475235-G-A. GRCh37 (hg19) VCF-style: chr20-61050291-G-A.
Other names: short protein forms A96V.
Identifiers: ClinVar variation 2120931 (VCV002120931.4), dbSNP rs113823160, ClinGen allele CA409556953.
Genomic context (GRCh38, chr20:62,475,235, plus strand): 5'-TAGGCACTGCCGTCTCGGCCCCCCGCGCTGCCGCCGCTGCCGGGCCCCGAGGGGCTGTGC[G>A]CGAAAGGGAAGGCGGTGGCCCCGGGCGGGTGCGCGGCTGGGGGGTGCGGACTGCCCGGGC-3'
Protein context (NP_536721.1, residues 86-106): HPPGATAFPF[Ala96Val]HSPSGPGSGG